The following is an entry in ClinVar:

ClinVar aggregate classification (germline): Pathogenic (1 of 4 stars; one submission).

Conditions:
Hyper-IgE recurrent infection syndrome 3, autosomal recessive. Also called: Autosomal recessive hyper-IgE syndrome due to ZNF341 deficiency; HYPER-IgE SYNDROME 3, AUTOSOMAL RECESSIVE, WITH RECURRENT INFECTIONS. Identifiers: Orphanet 641368, MedGen C4748969, MONDO:0032654, OMIM 618282.

Submission:

Labcorp Genetics (formerly Invitae), Labcorp
Classification: Pathogenic for Combined immunodeficiency due to DOCK8 deficiency. Last evaluated: 2022-07-06. Review status: criteria provided, single submitter. Criteria: Invitae Variant Classification Sherloc (09022015). Collection method: clinical testing. Allele origin: germline.
Comment: For these reasons, this variant has been classified as Pathogenic. This variant has not been reported in the literature in individuals affected with DOCK8-related conditions. This variant is a gross deletion of the genomic region encompassing exon(s) 1-20 of the DOCK8 gene, which includes the initiator codon. This deletion extends beyond the assayed region for this gene and therefore may encompass additional genes. It is expected to result in an absent or disrupted protein product. Loss-of-function variants in DOCK8 are known to be pathogenic (PMID: 14722525, 19776401).

Literature cited by the submitters: PubMed 14722525; PubMed 19776401.

NC_000009.11:g.(?_214977)_(377231_?)del

Genes: DOCK8 (dedicator of cytokinesis 8; plus strand), DOCK8-AS1 (DOCK8 antisense RNA 1; minus strand). Cytogenetic location: 9p24.3.
Variant type: Deletion.
Identifiers: ClinVar variation 1456361 (VCV001456361.9).